The following is an entry in ClinVar:

NM_001292063.2(OTOG):c.8597A>G (p.Asn2866Ser)

Gene: OTOG (otogelin; plus strand). Cytogenetic location: 11p15.1.
Variant type: single nucleotide variant.
Coding change: c.8597A>G on transcript NM_001292063.2 (MANE Select); coding-DNA position 8597, A replaced by G.
Protein change: p.Asn2866Ser; replaces asparagine 2866 with serine.
Molecular consequence: missense variant.
Genome position (GRCh38, 1-based): chr11:17,645,799, A>G. VCF-style: chr11-17645799-A-G. GRCh37 (hg19) VCF-style: chr11-17667346-A-G.
Other names: c.8633A>G, p.Asn2878Ser (NM_001277269.2); short protein forms N2866S, N2878S.
Identifiers: ClinVar variation 4531138 (VCV004531138.1).

ClinVar aggregate classification (germline): Uncertain significance (1 of 4 stars; one submission).

gnomAD v4.1: 1 of 1,551,048 alleles (0.000064%); highest among the groups gnomAD compares: South Asian, 0.0012%; no homozygotes.

Submission:

GeneDx
Classification: Uncertain significance. Last evaluated: 2025-05-23. Review status: criteria provided, single submitter. Criteria: GeneDx Variant Classification Process June 2021. Collection method: clinical testing. Allele origin: germline. Affected: yes.
Comment: Not observed at significant frequency in large population cohorts (gnomAD); In silico analysis supports that this missense variant has a deleterious effect on protein structure/function; Has not been previously published as pathogenic or benign to our knowledge